The following is an entry in ClinVar:

ClinVar aggregate classification (germline): Uncertain significance. Review status: criteria provided, multiple submitters, no conflicts (2 of 4 stars). 2 submissions from 2 submitters: Uncertain significance (2). Last evaluated 2024-06-24.

Conditions:
Hereditary cancer-predisposing syndrome. Also called: Tumor predisposition; Hereditary Cancer Syndrome; Neoplastic Syndromes, Hereditary; Hereditary neoplastic syndrome. Identifiers: Orphanet 140162, MedGen C0027672, MeSH D009386, MONDO:0015356.
Retinoblastoma (RB1). Also called: RETINOBLASTOMA, SOMATIC. Identifiers: Orphanet 790, MedGen C0035335, MeSH D012175, MONDO:0008380, OMIM 180200, HP:0009919. Disease mechanism: loss of function. Inheritance: Both sporadic and heritable forms are tested..

Allele frequency attached by ClinVar (database versions not stated): gnomAD 0.00001.
gnomAD v4.1: 2 of 1,612,392 alleles (0.00012%); highest among the groups gnomAD compares: South Asian, 0.0022%; no homozygotes.

Submissions (2):

Labcorp Genetics (formerly Invitae), Labcorp
Classification: Uncertain significance for Retinoblastoma. Last evaluated: 2024-06-24. Review status: criteria provided, single submitter. Criteria: Invitae Variant Classification Sherloc (09022015). Collection method: clinical testing. Allele origin: germline.
Comment: This sequence change replaces glutamic acid, which is acidic and polar, with glycine, which is neutral and non-polar, at codon 926 of the RB1 protein (p.Glu926Gly). This variant is not present in population databases (gnomAD no frequency). This variant has not been reported in the literature in individuals affected with RB1-related conditions. ClinVar contains an entry for this variant (Variation ID: 821787). Advanced modeling of protein sequence and biophysical properties (such as structural, functional, and spatial information, amino acid conservation, physicochemical variation, residue mobility, and thermodynamic stability) has been performed at Invitae for this missense variant, however the output from this modeling did not meet the statistical confidence thresholds required to predict the impact of this variant on RB1 protein function. Algorithms developed to predict the effect of sequence changes on RNA splicing suggest that this variant may disrupt the consensus splice site. In summary, the available evidence is currently insufficient to determine the role of this variant in disease. Therefore, it has been classified as a Variant of Uncertain Significance.

Ambry Genetics
Classification: Uncertain significance for Hereditary cancer-predisposing syndrome. Last evaluated: 2024-05-23. Review status: criteria provided, single submitter. Criteria: Ambry Variant Classification Scheme 2023. Collection method: clinical testing. Allele origin: germline.
Comment: The p.E926G variant (also known as c.2777A>G), located in coding exon 27 of the RB1 gene, results from an A to G substitution at nucleotide position 2777. The glutamic acid at codon 926 is replaced by glycine, an amino acid with similar properties. This amino acid position is highly conserved in available vertebrate species. In addition, the in silico prediction for this alteration is inconclusive. Based on the available evidence, the clinical significance of this variant remains unclear.

NM_000321.3(RB1):c.2777A>G (p.Glu926Gly)

Gene: RB1 (RB transcriptional corepressor 1; plus strand). Cytogenetic location: 13q14.2.
Variant type: single nucleotide variant.
Coding change: c.2777A>G on transcript NM_000321.3 (MANE Select); coding-DNA position 2777, A replaced by G.
Protein change: p.Glu926Gly; replaces glutamic acid 926 with glycine.
Molecular consequence: missense variant.
Genome position (GRCh38, 1-based): chr13:48,480,061, A>G. VCF-style: chr13-48480061-A-G. GRCh37 (hg19) VCF-style: chr13-49054197-A-G.
Other names: short protein forms E926G.
Identifiers: ClinVar variation 821787 (VCV000821787.11), dbSNP rs1593549718, ClinGen allele CA388158629.